The following is an entry in ClinVar:

NM_032578.4(MYPN):c.3075+182A>G

Gene: MYPN (myopalladin; plus strand). Cytogenetic location: 10q21.3.
Variant type: single nucleotide variant.
Coding change: c.3075+182A>G on transcript NM_032578.4 (MANE Select); 182 bases into the intron after coding-DNA position 3075, A replaced by G.
Molecular consequence: intron variant.
Genome position (GRCh38, 1-based): chr10:68,194,694, A>G. VCF-style: chr10-68194694-A-G. GRCh37 (hg19) VCF-style: chr10-69954451-A-G.
Other names: c.3075+182A>G (NM_001256267.2); c.2193+182A>G (NM_001256268.2).
Identifiers: ClinVar variation 672869 (VCV000672869.1), dbSNP rs7081017, ClinGen allele CA15651596.

ClinVar aggregate classification (germline): Benign (1 of 4 stars; one submission).

Allele frequency attached by ClinVar (database versions not stated): 1000 Genomes Project 30x 0.48032; 1000 Genomes Project 0.48123; TOPMed 0.53761; gnomAD 0.55719 and 0.55804.
gnomAD v4.1: 84,922 of 152,060 alleles (56%); highest among the groups gnomAD compares: Non-Finnish European, 66%; 25,477 homozygotes.

Submission:

GeneDx
Classification: Benign. Last evaluated: 2018-06-16. Review status: criteria provided, single submitter. Criteria: GeneDx Variant Classification (06012015). Collection method: clinical testing. Allele origin: germline. Affected: yes.
Comment: This variant is considered likely benign or benign based on one or more of the following criteria: it is a conservative change, it occurs at a poorly conserved position in the protein, it is predicted to be benign by multiple in silico algorithms, and/or has population frequency not consistent with disease.